The following is an entry in ClinVar:

ClinVar aggregate classification (germline): Uncertain significance (1 of 4 stars; one submission).

Conditions:
Paget disease of bone 2, early-onset (PDB2). Also called: Paget disease of bone 2. Identifiers: MedGen C4085251, MONDO:0011183, OMIM 602080.
Frontotemporal dementia and/or amyotrophic lateral sclerosis 1 (FTDALS1). Also called: Frontotemporal dementia with motor neuron disease 1; C9orf72 Frontotemporal Dementia and/or Amyotrophic Lateral Sclerosis. Identifiers: Orphanet 275872, MedGen C5779877, MONDO:0007105, OMIM 105550.

Allele frequency attached by ClinVar (database versions not stated): 1000 Genomes Project 30x 0.00016.
gnomAD v4.1: 7 of 1,563,508 alleles (0.00045%); highest among the groups gnomAD compares: South Asian, 0.0012%; no homozygotes.

Submission:

Labcorp Genetics (formerly Invitae), Labcorp
Classification: Uncertain significance for Paget disease of bone 2, early-onset; Frontotemporal dementia and/or amyotrophic lateral sclerosis 1. Last evaluated: 2022-05-20. Review status: criteria provided, single submitter. Criteria: Invitae Variant Classification Sherloc (09022015). Collection method: clinical testing. Allele origin: germline.
Comment: This sequence change replaces glutamic acid, which is acidic and polar, with lysine, which is basic and polar, at codon 30 of the SQSTM1 protein (p.Glu30Lys). In summary, the available evidence is currently insufficient to determine the role of this variant in disease. Therefore, it has been classified as a Variant of Uncertain Significance. Algorithms developed to predict the effect of missense changes on protein structure and function (SIFT, PolyPhen-2, Align-GVGD) all suggest that this variant is likely to be tolerated. This variant has not been reported in the literature in individuals affected with SQSTM1-related conditions. This variant is not present in population databases (gnomAD no frequency).

NM_003900.5(SQSTM1):c.88G>A (p.Glu30Lys)

Gene: SQSTM1 (sequestosome 1; plus strand). Cytogenetic location: 5q35.3.
Variant type: single nucleotide variant.
Coding change: c.88G>A on transcript NM_003900.5 (MANE Select); coding-DNA position 88, G replaced by A.
Protein change: p.Glu30Lys; replaces glutamic acid 30 with lysine.
Molecular consequence: missense variant. On other transcripts: intron variant (2).
Genome position (GRCh38, 1-based): chr5:179,821,024, G>A. VCF-style: chr5-179821024-G-A. GRCh37 (hg19) VCF-style: chr5-179248024-G-A.
Other names: c.-47-1934G>A (NM_001142298.2, NM_001142299.2); short protein forms E30K.
Identifiers: ClinVar variation 1410536 (VCV001410536.8), dbSNP rs764111892, ClinGen allele CA3600372.